The following is an entry in ClinVar:

ClinVar aggregate classification (germline): Uncertain significance. Review status: criteria provided, multiple submitters, no conflicts (2 of 4 stars). 6 submissions from 6 submitters: Uncertain significance (6). Last evaluated 2024-10-16.

Conditions:
Inborn genetic diseases. Identifiers: MedGen C0950123, MeSH D030342.
Growth and developmental delay-hypotonia-vision impairment-lactic acidosis syndrome. Also called: Combined oxidative phosphorylation deficiency 18. Identifiers: Orphanet 391348, MedGen C3810001, MONDO:0014261, OMIM 615578.

Allele frequency attached by ClinVar (database versions not stated): gnomAD 0.00001 and 0.00003; ExAC 0.00002; gnomAD exomes 0.00002 and 0.00004; TOPMed 0.00005; ESP Exome Variant Server 0.00008.
gnomAD v4.1: 77 of 1,613,992 alleles (0.0048%); highest among the groups gnomAD compares: Middle Eastern, 0.61%; 1 homozygote.

Submissions (6):

Blueprint Genetics
Classification: Uncertain significance. Last evaluated: 2024-10-16. Review status: criteria provided, single submitter. Criteria: ACMG Guidelines, 2015. Collection method: clinical testing. Allele origin: germline.

Ambry Genetics
Classification: Uncertain significance for Inborn genetic diseases. Last evaluated: 2024-01-16. Review status: criteria provided, single submitter. Criteria: Ambry Variant Classification Scheme 2023. Collection method: clinical testing. Allele origin: germline.

Labcorp Genetics (formerly Invitae), Labcorp
Classification: Uncertain significance. Last evaluated: 2022-07-30. Review status: criteria provided, single submitter. Criteria: Invitae Variant Classification Sherloc (09022015). Collection method: clinical testing. Allele origin: germline.
Comment: This sequence change replaces proline, which is neutral and non-polar, with leucine, which is neutral and non-polar, at codon 137 of the SFXN4 protein (p.Pro137Leu). This variant is present in population databases (rs377410779, gnomAD 0.005%). This variant has not been reported in the literature in individuals affected with SFXN4-related conditions. ClinVar contains an entry for this variant (Variation ID: 806576). Algorithms developed to predict the effect of missense changes on protein structure and function output the following: SIFT: "Tolerated"; PolyPhen-2: "Possibly Damaging"; Align-GVGD: "Class C0". The leucine amino acid residue is found in multiple mammalian species, which suggests that this missense change does not adversely affect protein function. In summary, the available evidence is currently insufficient to determine the role of this variant in disease. Therefore, it has been classified as a Variant of Uncertain Significance.

Baylor Genetics
Classification: Uncertain significance for Growth and developmental delay-hypotonia-vision impairment-lactic acidosis syndrome. Last evaluated: 2018-10-15. Review status: criteria provided, single submitter. Criteria: ACMG Guidelines, 2015. Collection method: clinical testing. Allele origin: maternal. Affected: yes.
Comment: This variant was determined to be of uncertain significance according to ACMG Guidelines, 2015 [PMID:25741868].

CeGaT Center for Human Genetics Tuebingen
Classification: Uncertain significance. Last evaluated: 2017-05-01. Review status: criteria provided, single submitter. Criteria: CeGaT Center For Human Genetics Tuebingen Variant Classification Criteria Version 2. Collection method: clinical testing. Allele origin: germline. Affected: yes. Observed: 1 variant allele.

Breakthrough Genomics
Classification: Uncertain significance. Review status: criteria provided, single submitter. Criteria: ACMG Guidelines, 2015. Collection method: not provided. Allele origin: germline. Inheritance: Autosomal recessive inheritance. Affected: yes.

NM_213649.2(SFXN4):c.410C>T (p.Pro137Leu)

Gene: SFXN4 (sideroflexin 4; minus strand). Cytogenetic location: 10q26.11.
Variant type: single nucleotide variant.
Coding change: c.410C>T on transcript NM_213649.2 (MANE Select); coding-DNA position 410, C replaced by T.
Protein change: p.Pro137Leu; replaces proline 137 with leucine.
Molecular consequence: missense variant. On other transcripts: non-coding transcript variant (1).
Genome position (GRCh38, 1-based): chr10:119,158,013, G>A on the plus strand (C>T on the coding strand, the complement: SFXN4 is on the minus strand). VCF-style: chr10-119158013-G-A. GRCh37 (hg19) VCF-style: chr10-120917525-G-A.
Other names: short protein forms P137L.
Identifiers: ClinVar variation 806576 (VCV000806576.47), dbSNP rs377410779, ClinGen allele CA5714559.